The following is an entry in ClinVar:

ClinVar aggregate classification (germline): Uncertain significance (1 of 4 stars; one submission).

Submission:

Labcorp Genetics (formerly Invitae), Labcorp
Classification: Uncertain significance. Last evaluated: 2023-09-26. Review status: criteria provided, single submitter. Criteria: Invitae Variant Classification Sherloc (09022015). Collection method: clinical testing. Allele origin: germline.
Comment: In summary, the available evidence is currently insufficient to determine the role of this variant in disease. Therefore, it has been classified as a Variant of Uncertain Significance. An algorithm developed to predict the effect of missense changes on protein structure and function (PolyPhen-2) suggests that this variant is likely to be tolerated. This variant has not been reported in the literature in individuals affected with IRF2BP2-related conditions. This variant is not present in population databases (gnomAD no frequency). This sequence change replaces phenylalanine, which is neutral and non-polar, with leucine, which is neutral and non-polar, at codon 339 of the IRF2BP2 protein (p.Phe339Leu).

NM_182972.3(IRF2BP2):c.1017C>A (p.Phe339Leu)

Genes: IRF2BP2 (interferon regulatory factor 2 binding protein 2; minus strand), LOC129932810 (ATAC-STARR-seq lymphoblastoid active region 2760; plus strand). Cytogenetic location: 1q42.3.
Variant type: single nucleotide variant.
Coding change: c.1017C>A on transcript NM_182972.3 (MANE Select); coding-DNA position 1017, C replaced by A.
Protein change: p.Phe339Leu; replaces phenylalanine 339 with leucine.
Molecular consequence: missense variant. On other transcripts: intron variant (1).
Genome position (GRCh38, 1-based): chr1:234,608,478, G>T on the plus strand (C>A on the coding strand, the complement: IRF2BP2 is on the minus strand). VCF-style: chr1-234608478-G-T. GRCh37 (hg19) VCF-style: chr1-234744224-G-T.
Other names: c.1000+17C>A (NM_001077397.1); short protein forms F339L.
Identifiers: ClinVar variation 2761015 (VCV002761015.3), dbSNP rs1177415728, ClinGen allele CA345307241.